The following is an entry in ClinVar:

ClinVar aggregate classification (germline): Uncertain significance. Review status: criteria provided, multiple submitters, no conflicts (2 of 4 stars). 4 submissions from 4 submitters: Uncertain significance (4). Last evaluated 2024-07-02.

Conditions:
Inborn genetic diseases. Identifiers: MedGen C0950123, MeSH D030342.
Congenital myasthenic syndrome 5. Identifiers: Orphanet 590, MedGen C1864233, MONDO:0011281, OMIM 603034.

Allele frequency attached by ClinVar (database versions not stated): gnomAD exomes 0.00001 and 0.00002; ExAC 0.00005.
gnomAD v4.1: 22 of 1,598,044 alleles (0.0014%); highest among the groups gnomAD compares: South Asian, 0.01%; no homozygotes.

Submissions (4):

Revvity Omics, Revvity
Classification: Uncertain significance for Congenital myasthenic syndrome 5. Last evaluated: 2024-07-02. Review status: criteria provided, single submitter. Criteria: ACMG Guidelines, 2015. Collection method: clinical testing. Allele origin: germline.

Ambry Genetics
Classification: Uncertain significance for Inborn genetic diseases. Last evaluated: 2023-05-17. Review status: criteria provided, single submitter. Criteria: Ambry Variant Classification Scheme 2023. Collection method: clinical testing. Allele origin: germline.

Labcorp Genetics (formerly Invitae), Labcorp
Classification: Uncertain significance for Congenital myasthenic syndrome 5. Last evaluated: 2022-10-28. Review status: criteria provided, single submitter. Criteria: Invitae Variant Classification Sherloc (09022015). Collection method: clinical testing. Allele origin: germline.
Comment: This sequence change replaces glycine, which is neutral and non-polar, with alanine, which is neutral and non-polar, at codon 159 of the COLQ protein (p.Gly159Ala). This variant is present in population databases (rs748461738, gnomAD 0.02%). This variant has not been reported in the literature in individuals affected with COLQ-related conditions. ClinVar contains an entry for this variant (Variation ID: 849732). Advanced modeling of protein sequence and biophysical properties (such as structural, functional, and spatial information, amino acid conservation, physicochemical variation, residue mobility, and thermodynamic stability) has been performed at Invitae for this missense variant, however the output from this modeling did not meet the statistical confidence thresholds required to predict the impact of this variant on COLQ protein function. In summary, the available evidence is currently insufficient to determine the role of this variant in disease. Therefore, it has been classified as a Variant of Uncertain Significance.

CENTOGENE GmbH and LLC - Guiding Precision Medicine
Classification: Uncertain significance for Congenital myasthenic syndrome 5. Last evaluated: 2020-11-23. Review status: criteria provided, single submitter. Criteria: ACMG Guidelines, 2015. Collection method: clinical testing. Allele origin: germline. Affected: yes.

NM_005677.4(COLQ):c.476G>C (p.Gly159Ala)

Gene: COLQ (collagen like tail subunit of asymmetric acetylcholinesterase; minus strand). Cytogenetic location: 3p25.1.
Variant type: single nucleotide variant.
Coding change: c.476G>C on transcript NM_005677.4 (MANE Select); coding-DNA position 476, G replaced by C.
Protein change: p.Gly159Ala; replaces glycine 159 with alanine.
Molecular consequence: missense variant.
Genome position (GRCh38, 1-based): chr3:15,475,477, C>G on the plus strand (G>C on the coding strand, the complement: COLQ is on the minus strand). VCF-style: chr3-15475477-C-G. GRCh37 (hg19) VCF-style: chr3-15516984-C-G.
Other names: c.446G>C, p.Gly149Ala (NM_080538.2); c.374G>C, p.Gly125Ala (NM_080539.4); short protein forms G149A, G125A, G159A.
Identifiers: ClinVar variation 849732 (VCV000849732.8), dbSNP rs748461738, ClinGen allele CA2276141.